The following is an entry in ClinVar:

NM_000038.6(APC):c.2322C>T (p.Asp774=)

Gene: APC (APC regulator of Wnt signaling pathway; plus strand). Cytogenetic location: 5q22.2.
Variant type: single nucleotide variant.
Coding change: c.2322C>T on transcript NM_000038.6 (MANE Select); coding-DNA position 2322, C replaced by T.
Protein change: p.Asp774=; no amino-acid change (aspartic acid 774 retained).
Molecular consequence: synonymous variant.
Genome position (GRCh38, 1-based): chr5:112,837,916, C>T. VCF-style: chr5-112837916-C-T. GRCh37 (hg19) VCF-style: chr5-112173613-C-T.
Other names: p.D774D:GAC>GAT; p.Asp774=; c.2322C>T, p.Asp774= (NM_001127510.3, NM_001354895.2); c.2268C>T, p.Asp756= (NM_001127511.3); c.2376C>T, p.Asp792= (NM_001354896.2); c.2352C>T, p.Asp784= (NM_001354897.2); c.2247C>T, p.Asp749= (NM_001354898.2); c.2238C>T, p.Asp746= (NM_001354899.2); and 7 more.
Identifiers: ClinVar variation 136407 (VCV000136407.77), dbSNP rs145792879, ClinGen allele CA007366.

ClinVar aggregate classification (germline): Benign/Likely benign. Review status: criteria provided, multiple submitters, no conflicts (2 of 4 stars). 23 submissions from 23 submitters: Benign (5); Likely benign (10). 8 of the submissions do not count toward it. Last evaluated 2026-02-02.

Conditions:
APC-Associated Polyposis Disorders.
Hereditary cancer-predisposing syndrome. Also called: Tumor predisposition; Hereditary neoplastic syndrome; Hereditary Cancer Syndrome; Neoplastic Syndromes, Hereditary. Identifiers: Orphanet 140162, MedGen C0027672, MeSH D009386, MONDO:0015356.
Familial adenomatous polyposis 1 (FAP1). Also called: POLYPOSIS, ADENOMATOUS INTESTINAL; FAMILIAL ADENOMATOUS POLYPOSIS 1, ATTENUATED. Identifiers: MedGen C2713442, MONDO:0021056, OMIM 175100. Disease mechanism: loss of function.
Carcinoma of colon (CRC). Also called: Colon carcinoma; Colonic carcinoma. Identifiers: MedGen C0699790, MONDO:0002032.

Allele frequency attached by ClinVar (database versions not stated): ESP Exome Variant Server 0.00031; TOPMed 0.00037; gnomAD 0.00041 and 0.00042; gnomAD exomes 0.00058 and 0.00060; 1000 Genomes Project 0.00060; 1000 Genomes Project 30x 0.00062; ExAC 0.00079.
gnomAD v4.1: 943 of 1,614,026 alleles (0.058%); highest among the groups gnomAD compares: Non-Finnish European, 0.069%; no homozygotes.

Submissions (23):

Labcorp Genetics (formerly Invitae), Labcorp
Classification: Benign for Familial adenomatous polyposis 1. Last evaluated: 2026-02-02. Review status: criteria provided, single submitter. Criteria: Invitae Variant Classification Sherloc (09022015). Collection method: clinical testing. Allele origin: germline.

CeGaT Center for Human Genetics Tuebingen
Classification: Likely benign. Last evaluated: 2026-01-01. Review status: criteria provided, single submitter. Criteria: CeGaT Center For Human Genetics Tuebingen Variant Classification Criteria Version 2. Collection method: clinical testing. Allele origin: germline. Affected: yes. Observed: 15 variant alleles.
Comment: APC: BP4, BP7

Mayo Clinic Laboratories, Mayo Clinic
Classification: Likely benign. Last evaluated: 2025-06-25. Review status: criteria provided, single submitter. Criteria: ACMG Guidelines, 2015. Collection method: clinical testing. Allele origin: germline. Observed: 2 variant alleles.
Comment: BS1, BP4, BP7

Center for Genomic Medicine, Rigshospitalet, Copenhagen University Hospital
Classification: Likely benign. Last evaluated: 2025-03-04. Review status: criteria provided, single submitter. Criteria: ACMG Guidelines, 2015. Collection method: clinical testing. Allele origin: germline.

Laboratory of Genetics, Children's Clinical University Hospital Latvia
Classification: Likely benign. Last evaluated: 2025-02-16. Review status: criteria provided, single submitter. Criteria: ACMG Guidelines, 2015. Collection method: clinical testing. Allele origin: germline. Affected: yes.

Blueprint Genetics
Classification: Likely benign. Last evaluated: 2024-11-05. Review status: criteria provided, single submitter. Criteria: ACMG Guidelines, 2015. Collection method: clinical testing. Allele origin: germline.

ARUP Laboratories, Molecular Genetics and Genomics, ARUP Laboratories
Classification: Likely benign. Last evaluated: 2024-03-13. Review status: criteria provided, single submitter. Criteria: ARUP Molecular Germline Variant Investigation Process 2024. Collection method: clinical testing. Allele origin: germline.

Institute for Biomarker Research, Medical Diagnostic Laboratories, L.L.C.
Classification: Benign for Hereditary cancer-predisposing syndrome. Last evaluated: 2023-07-27. Review status: criteria provided, single submitter. Criteria: ACMG Guidelines, 2015. Collection method: clinical testing. Allele origin: germline.

Myriad Genetics, Inc.
Classification: Benign for Familial adenomatous polyposis 1. Last evaluated: 2023-02-21. Review status: criteria provided, single submitter. Criteria: Myriad Autosomal Dominant, Autosomal Recessive and X-Linked Classification Criteria (2023). Collection method: clinical testing. Allele origin: unknown.
Comment: This variant is considered benign. This variant is a silent/synonymous amino acid change and it is not expected to impact splicing.

Sema4
Classification: Benign for Hereditary cancer-predisposing syndrome. Last evaluated: 2020-11-06. Review status: criteria provided, single submitter. Criteria: Sema4 Curation Guidelines. Collection method: curation. Allele origin: germline.

Illumina Laboratory Services, Illumina
Classification: Likely benign for APC-Associated Polyposis Disorders. Last evaluated: 2018-01-12. Review status: criteria provided, single submitter. Criteria: ICSL Variant Classification Criteria 13 December 2019. Collection method: clinical testing. Allele origin: germline.
Comment: This variant was observed in the ICSL laboratory as part of a predisposition screen in an ostensibly healthy population. It had not been previously curated by ICSL or reported in the Human Gene Mutation Database (HGMD: prior to June 1st, 2018), and was therefore a candidate for classification through an automated scoring system. Utilizing variant allele frequency, disease prevalence and penetrance estimates, and inheritance mode, an automated score was calculated to assess if this variant is too frequent to cause the disease. Based on the score and internal cut-off values, a variant classified as likely benign is not then subjected to further curation. The score for this variant resulted in a classification of likely benign for this disease.

Color Diagnostics, LLC DBA Color Health
Classification: Likely benign for Hereditary cancer-predisposing syndrome. Last evaluated: 2016-09-11. Review status: criteria provided, single submitter. Criteria: ACMG Guidelines, 2015. Collection method: clinical testing. Allele origin: germline.

Ambry Genetics
Classification: Likely benign for Hereditary cancer-predisposing syndrome. Last evaluated: 2014-08-22. Review status: criteria provided, single submitter. Criteria: Ambry Variant Classification Scheme 2023. Collection method: clinical testing. Allele origin: germline.

GeneDx
Classification: Benign. Last evaluated: 2014-01-27. Review status: criteria provided, single submitter. Criteria: GeneDx Variant Classification (06012015). Collection method: clinical testing. Allele origin: germline. Affected: yes.
Comment: This variant is considered likely benign or benign based on one or more of the following criteria: it is a conservative change, it occurs at a poorly conserved position in the protein, it is predicted to be benign by multiple in silico algorithms, and/or has population frequency not consistent with disease.

PreventionGenetics, part of Exact Sciences
Classification: Likely benign. Review status: criteria provided, single submitter. Criteria: ACMG Guidelines, 2015. Collection method: clinical testing. Allele origin: germline.

Counsyl
Classification: Likely benign for Familial adenomatous polyposis 1. Last evaluated: 2015-12-01. Review status: no assertion criteria provided. Collection method: clinical testing. Allele origin: unknown. Not counted in ClinVar's aggregate classification.

Clinical Genetics DNA and cytogenetics Diagnostics Lab, Erasmus MC, Erasmus Medical Center
Classification: Likely benign. Review status: no assertion criteria provided. Collection method: clinical testing. Allele origin: germline. Affected: yes. Study: VKGL Data-share Consensus. Not counted in ClinVar's aggregate classification.

Clinical Genetics, Academic Medical Center
Classification: Likely benign. Review status: no assertion criteria provided. Collection method: clinical testing. Allele origin: germline. Affected: yes. Study: VKGL Data-share Consensus. Not counted in ClinVar's aggregate classification.

Department of Pathology and Laboratory Medicine, Sinai Health System
Classification: Benign for Carcinoma of colon. Review status: no assertion criteria provided. Collection method: clinical testing. Allele origin: unknown. Affected: yes. Study: The Canadian Open Genetics Repository (COGR). Not counted in ClinVar's aggregate classification.
Comment: APC, Exon 18, c.2322C>T, p.Asp774Asp, Heterozygous, Predicted Benign. The p.Asp774Asp is not expected to have clinical significance because it does not alter an amino acid residue and is not located near a splice junction. In summary, based on the above information, the clinical significance of this variant cannot be determined with certainty at this time, although we would lean towards a more benign role for this variant. This variant is predicted benign.

Diagnostic Laboratory, Department of Genetics, University Medical Center Groningen
Classification: Likely benign. Review status: no assertion criteria provided. Collection method: clinical testing. Allele origin: germline. Affected: yes. Study: VKGL Data-share Consensus. Not counted in ClinVar's aggregate classification.

Genome Diagnostics Laboratory, Amsterdam University Medical Center
Classification: Likely benign. Review status: no assertion criteria provided. Collection method: clinical testing. Allele origin: germline. Affected: yes. Study: VKGL Data-share Consensus. Not counted in ClinVar's aggregate classification.

Joint Genome Diagnostic Labs from Nijmegen and Maastricht, Radboudumc and MUMC+
Classification: Likely benign. Review status: no assertion criteria provided. Collection method: clinical testing. Allele origin: germline. Affected: yes. Study: VKGL Data-share Consensus. Not counted in ClinVar's aggregate classification.

Laboratory of Diagnostic Genome Analysis, Leiden University Medical Center (LUMC)
Classification: Likely benign. Review status: no assertion criteria provided. Collection method: clinical testing. Allele origin: germline. Affected: yes. Study: VKGL Data-share Consensus. Not counted in ClinVar's aggregate classification.

Literature cited by the submitters: PubMed 15122587 (cited by Counsyl).